The following is an entry in ClinVar:

ClinVar aggregate classification (germline): Uncertain significance (1 of 4 stars; one submission).

Submission:

Labcorp Genetics (formerly Invitae), Labcorp
Classification: Uncertain significance. Last evaluated: 2024-07-17. Review status: criteria provided, single submitter. Criteria: Invitae Variant Classification Sherloc (09022015). Collection method: clinical testing. Allele origin: germline.
Comment: This sequence change replaces cysteine, which is neutral and slightly polar, with serine, which is neutral and polar, at codon 224 of the CSF1R protein (p.Cys224Ser). This variant is not present in population databases (gnomAD no frequency). This variant has not been reported in the literature in individuals affected with CSF1R-related conditions. Advanced modeling of protein sequence and biophysical properties (such as structural, functional, and spatial information, amino acid conservation, physicochemical variation, residue mobility, and thermodynamic stability) has been performed at Invitae for this missense variant, however the output from this modeling did not meet the statistical confidence thresholds required to predict the impact of this variant on CSF1R protein function. In summary, the available evidence is currently insufficient to determine the role of this variant in disease. Therefore, it has been classified as a Variant of Uncertain Significance.

NM_001288705.3(CSF1R):c.670T>A (p.Cys224Ser)

Genes: CSF1R (colony stimulating factor 1 receptor; minus strand), LOC111188154 (RORalpha allelically-responsive CSF1R enhancer; plus strand). Cytogenetic location: 5q32.
Variant type: single nucleotide variant.
Coding change: c.670T>A on transcript NM_001288705.3 (MANE Select); coding-DNA position 670, T replaced by A.
Protein change: p.Cys224Ser; replaces cysteine 224 with serine.
Molecular consequence: missense variant. On other transcripts: non-coding transcript variant (2).
Genome position (GRCh38, 1-based): chr5:150,078,171, A>T on the plus strand (T>A on the coding strand, the complement: CSF1R is on the minus strand). VCF-style: chr5-150078171-A-T. GRCh37 (hg19) VCF-style: chr5-149457734-A-T.
Other names: c.670T>A, p.Cys224Ser (NM_001349736.2, NM_001375320.1, NM_005211.4); c.226T>A, p.Cys76Ser (NM_001375321.1); short protein forms C76S, C224S.
Identifiers: ClinVar variation 3005930 (VCV003005930.3), dbSNP rs2481039350, ClinGen allele CA361730297.